The following is an entry in ClinVar:

NM_001112741.2(KCNC1):c.751G>A (p.Val251Ile)

Gene: KCNC1 (potassium voltage-gated channel subfamily C member 1; plus strand). Cytogenetic location: 11p15.1.
Variant type: single nucleotide variant.
Coding change: c.751G>A on transcript NM_001112741.2 (MANE Select); coding-DNA position 751, G replaced by A.
Protein change: p.Val251Ile; replaces valine 251 with isoleucine.
Molecular consequence: missense variant.
Genome position (GRCh38, 1-based): chr11:17,771,845, G>A. VCF-style: chr11-17771845-G-A. GRCh37 (hg19) VCF-style: chr11-17793392-G-A.
Other names: c.751G>A (NM_001112741.1); c.751G>A, p.Val251Ile (NM_004976.4); short protein forms V251I.
Identifiers: ClinVar variation 1415739 (VCV001415739.9), dbSNP rs1465921956, ClinGen allele CA379806158.
Genomic context (GRCh38, chr11:17,771,845, plus strand): 5'-ACGCAAGTGCGCTACTACCGGGAGGCCGAGACGGAGGCCTTCCTTACCTACATCGAGGGC[G>A]TCTGTGTGGTCTGGTTCACCTTCGAGTTCCTCATGCGTGTCATCTTCTGCCCCAACAAGG-3'
Protein context (NP_001106212.1, residues 241-261): TEAFLTYIEG[Val251Ile]CVVWFTFEFL

ClinVar aggregate classification (germline): Uncertain significance. Review status: criteria provided, multiple submitters, no conflicts (2 of 4 stars). 2 submissions from 2 submitters: Uncertain significance (2). Last evaluated 2025-08-06.

Conditions:
Inborn genetic diseases. Identifiers: MedGen C0950123, MeSH D030342.
Progressive myoclonic epilepsy type 7. Identifiers: Orphanet 435438, MedGen C4015420, MONDO:0014521, OMIM 616187.

Allele frequency attached by ClinVar (database versions not stated): gnomAD 0.00001; gnomAD exomes 0.00001.
gnomAD v4.1: 19 of 1,614,054 alleles (0.0012%); highest among the groups gnomAD compares: African/African-American, 0.0027%; no homozygotes.

Submissions (2):

Ambry Genetics
Classification: Uncertain significance for Inborn genetic diseases. Last evaluated: 2025-08-06. Review status: criteria provided, single submitter. Criteria: Ambry Variant Classification Scheme 2023. Collection method: clinical testing. Allele origin: germline.

Labcorp Genetics (formerly Invitae), Labcorp
Classification: Uncertain significance for Progressive myoclonic epilepsy type 7. Last evaluated: 2021-04-05. Review status: criteria provided, single submitter. Criteria: Invitae Variant Classification Sherloc (09022015). Collection method: clinical testing. Allele origin: germline.
Comment: In summary, the available evidence is currently insufficient to determine the role of this variant in disease. Therefore, it has been classified as a Variant of Uncertain Significance. Algorithms developed to predict the effect of missense changes on protein structure and function (SIFT, PolyPhen-2, Align-GVGD) all suggest that this variant is likely to be tolerated, but these predictions have not been confirmed by published functional studies and their clinical significance is uncertain. This variant has not been reported in the literature in individuals with KCNC1-related conditions. This variant is not present in population databases (ExAC no frequency). This sequence change replaces valine with isoleucine at codon 251 of the KCNC1 protein (p.Val251Ile). The valine residue is highly conserved and there is a small physicochemical difference between valine and isoleucine.